The following is an entry in ClinVar:

ClinVar aggregate classification (germline): Uncertain significance (1 of 4 stars; one submission).

Submission:

GeneDx
Classification: Uncertain significance. Last evaluated: 2023-06-25. Review status: criteria provided, single submitter. Criteria: GeneDx Variant Classification Process June 2021. Collection method: clinical testing. Allele origin: germline. Affected: yes.
Comment: Not observed at significant frequency in large population cohorts (gnomAD); In silico analysis supports that this missense variant has a deleterious effect on protein structure/function; Has not been previously published as pathogenic or benign to our knowledge

NM_002968.3(SALL1):c.3402C>G (p.His1134Gln)

Gene: SALL1 (spalt like transcription factor 1; minus strand). Cytogenetic location: 16q12.1.
Variant type: single nucleotide variant.
Coding change: c.3402C>G on transcript NM_002968.3 (MANE Select); coding-DNA position 3402, C replaced by G.
Protein change: p.His1134Gln; replaces histidine 1134 with glutamine.
Molecular consequence: missense variant.
Genome position (GRCh38, 1-based): chr16:51,138,820, G>C on the plus strand (C>G on the coding strand, the complement: SALL1 is on the minus strand). VCF-style: chr16-51138820-G-C. GRCh37 (hg19) VCF-style: chr16-51172731-G-C.
Other names: c.3111C>G, p.His1037Gln (NM_001127892.2); short protein forms H1037Q, H1134Q.
Identifiers: ClinVar variation 3360235 (VCV003360235.1).
Genomic context (GRCh38, chr16:51,138,820, plus strand): 5'-TCTCTCGTGAATCTGCAGGGCACTCGATGAGGAGAAGGTTTTGCCACATGTGTTGCAGTA[G>C]TGCTGCTTGGGAGTTCTCCTGGGCAGAGCAGGGAGCAGAACTGGGGATGTGGCAGAGGAA-3'
Protein context (NP_002959.2, residues 1124-1144): PALPRRTPKQ[His1134Gln]YCNTCGKTFS